The following is an entry in ClinVar:

NM_000213.5(ITGB4):c.794dup (p.Ala266fs)

Gene: ITGB4 (integrin subunit beta 4; plus strand). Cytogenetic location: 17q25.1.
Variant type: Duplication.
Coding change: c.794dup on transcript NM_000213.5 (MANE Select); coding-DNA position 794, one base duplicated (C; older notation c.794dupC).
Protein change: p.Ala266fs; shifts the reading frame from alanine 266.
Molecular consequence: frameshift variant.
Genome position (GRCh38, 1-based): chr17:75,730,296, C duplicated. VCF-style (leftmost placement, unchanged base first): chr17-75730295-T-TC. GRCh37 (hg19) VCF-style: chr17-73726376-T-TC.
Other names: c.794dupC (NM_000213.5, NM_000213.4); c.794dup, p.Ala266Serfs (NM_001005619.2); c.794dup, p.Ala266fs (NM_001005731.3, NM_001321123.2); short protein forms A266fs.
Identifiers: ClinVar variation 1292044 (VCV001292044.11), dbSNP rs757050033, ClinGen allele CA8768783.

ClinVar aggregate classification (germline): Pathogenic. Review status: criteria provided, multiple submitters, no conflicts (2 of 4 stars). 5 submissions from 5 submitters: Pathogenic (4). 1 of the submissions does not count toward it. Last evaluated 2025-10-03.

Conditions:
ITGB4-related disorder. Also called: ITGB4-related condition.
Junctional epidermolysis bullosa with pyloric atresia. Also called: EPIDERMOLYSIS BULLOSA, JUNCTIONAL 5B, WITH PYLORIC ATRESIA; ITGB4-Related Epidermolysis Bullosa with Pyloric Atresia; APLASIA CUTIS CONGENITA WITH GASTROINTESTINAL ATRESIA; CARMI SYNDROME; Junctional Epidermolysis Bullosa- Pyloric Atresia Syndrome; EB-PA-ACC. Identifiers: Orphanet 79403, MedGen C5676875, MONDO:0009183, OMIM 226730.
Epidermolysis bullosa, junctional 5A, intermediate. Also called: EPIDERMOLYSIS BULLOSA, JUNCTIONAL 5A, GENERALIZED INTERMEDIATE; EPIDERMOLYSIS BULLOSA, JUNCTIONAL 5A, NON-HERLITZ TYPE. Identifiers: MedGen C5676956, MONDO:0030768, OMIM 619816.

Allele frequency attached by ClinVar (database versions not stated): TOPMed below 0.00001; ExAC 0.00001; gnomAD exomes 0.00001 and 0.00002.

Submissions (5):

Labcorp Genetics (formerly Invitae), Labcorp
Classification: Pathogenic. Last evaluated: 2025-10-03. Review status: criteria provided, single submitter. Criteria: Invitae Variant Classification Sherloc (09022015). Collection method: clinical testing. Allele origin: germline.
Comment: This sequence change creates a premature translational stop signal (p.Ala266Serfs*5) in the ITGB4 gene. It is expected to result in an absent or disrupted protein product. Loss-of-function variants in ITGB4 are known to be pathogenic (PMID: 11328943, 16473856). This variant is present in population databases (rs757050033, gnomAD 0.03%). This premature translational stop signal has been observed in individual(s) with epidermolysis bullosa (PMID: 35432467). ClinVar contains an entry for this variant (Variation ID: 1292044). Algorithms developed to predict the effect of sequence changes on RNA splicing suggest that this variant may disrupt the consensus splice site. For these reasons, this variant has been classified as Pathogenic.

PreventionGenetics, part of Exact Sciences
Classification: Pathogenic for ITGB4-related condition. Last evaluated: 2025-02-25. Review status: criteria provided, single submitter. Criteria: ACMG Guidelines, 2015. Collection method: clinical testing. Allele origin: germline.
Comment: The ITGB4 c.794dupC variant is predicted to result in a frameshift and premature protein termination (p.Ala266Serfs*5). This variant has been reported in individuals with epidermolysis bullosa, junctional with pyloric atresia (see, for example, Suppl Table 2 in Wei et al. 2021. PubMed ID: 32978145; Table 2 in Pongmee et al. 2022. PubMed ID: 35432467). This variant is reported in 0.033% of alleles in individuals of East Asian descent in gnomAD. Frameshift variants in ITGB4 are expected to be pathogenic. This variant is interpreted as pathogenic.

Fulgent Genetics
Classification: Pathogenic for Junctional epidermolysis bullosa with pyloric atresia; Epidermolysis bullosa, junctional 5A, intermediate. Last evaluated: 2024-05-24. Review status: criteria provided, single submitter. Criteria: ACMG Guidelines, 2015. Collection method: clinical testing. Allele origin: germline.

Revvity Omics, Revvity
Classification: Pathogenic. Last evaluated: 2019-12-23. Review status: criteria provided, single submitter. Criteria: ACMG Guidelines, 2015. Collection method: clinical testing. Allele origin: germline.

Department of Pediatrics, Division of Medical Genetics, Faculty of Medicine Ramathibodi Hospital, Mahidol University
Classification: Pathogenic for Junctional epidermolysis bullosa with pyloric atresia. Last evaluated: 2020-12-08. Review status: no assertion criteria provided. Collection method: research. Allele origin: germline. Inheritance: Autosomal recessive inheritance. Affected: yes. Not counted in ClinVar's aggregate classification.
Comment: This variant meets ACMG criteria to be classified as pathogenic based upon null variant, absent from controls, multiple lines of computational evidence support a deleterious effect on the gene and patient’s phenotype or family history is highly specific for the disease.

Literature cited by the submitters: PubMed 11328943 (cited by Labcorp Genetics (formerly Invitae), Labcorp); PubMed 16473856 (cited by Labcorp Genetics (formerly Invitae), Labcorp); PubMed 35432467 (cited by Labcorp Genetics (formerly Invitae), Labcorp).